The following is an entry in ClinVar:

NM_005515.4(MNX1):c.135C>A (p.Gly45=)

Gene: MNX1 (motor neuron and pancreas homeobox 1; minus strand). Cytogenetic location: 7q36.3.
Variant type: single nucleotide variant.
Coding change: c.135C>A on transcript NM_005515.4 (MANE Select); coding-DNA position 135, C replaced by A.
Protein change: p.Gly45=; no amino-acid change (glycine 45 retained).
Molecular consequence: synonymous variant.
Genome position (GRCh38, 1-based): chr7:157,010,216, G>T on the plus strand (C>A on the coding strand, the complement: MNX1 is on the minus strand). VCF-style: chr7-157010216-G-T. GRCh37 (hg19) VCF-style: chr7-156802910-G-T.
Identifiers: ClinVar variation 3048358 (VCV003048358.2), dbSNP rs1805689146, ClinGen allele CA458774671.

ClinVar aggregate classification (germline): Likely benign (0 of 4 stars; one submission).

Conditions:
MNX1-related disorder. Also called: MNX1-related condition.

Submission:

PreventionGenetics, part of Exact Sciences
Classification: Likely benign for MNX1-related condition. Last evaluated: 2023-12-01. Review status: no assertion criteria provided. Collection method: clinical testing. Allele origin: germline.
Comment: This variant is classified as likely benign based on ACMG/AMP sequence variant interpretation guidelines (Richards et al. 2015 PMID: 25741868, with internal and published modifications).